The following is an entry in ClinVar:

ClinVar aggregate classification (germline): Uncertain significance (1 of 4 stars; one submission).

Allele frequency attached by ClinVar (database versions not stated): gnomAD exomes below 0.00001; ExAC 0.00001.
gnomAD v4.1: 1 of 1,614,070 alleles (0.000062%); highest among the groups gnomAD compares: Non-Finnish European, 0.000085%; no homozygotes.

Submission:

Ambry Genetics
Classification: Uncertain significance. Last evaluated: 2024-03-24. Review status: criteria provided, single submitter. Criteria: Ambry Variant Classification Scheme 2023. Collection method: clinical testing. Allele origin: germline.
Comment: The p.Q413H variant (also known as c.1239G>C), located in coding exon 13 of the NPAT gene, results from a G to C substitution at nucleotide position 1239. The glutamine at codon 413 is replaced by histidine, an amino acid with highly similar properties. This amino acid position is conserved. In addition, this alteration is predicted to be tolerated by in silico analysis. Since supporting evidence is limited at this time, the clinical significance of this alteration remains unclear.

NM_002519.3(NPAT):c.1239G>C (p.Gln413His)

Gene: NPAT (nuclear protein, coactivator of histone transcription; minus strand). Cytogenetic location: 11q22.3.
Variant type: single nucleotide variant.
Coding change: c.1239G>C on transcript NM_002519.3 (MANE Select); coding-DNA position 1239, G replaced by C.
Protein change: p.Gln413His; replaces glutamine 413 with histidine.
Molecular consequence: missense variant.
Genome position (GRCh38, 1-based): chr11:108,173,745, C>G on the plus strand (G>C on the coding strand, the complement: NPAT is on the minus strand). VCF-style: chr11-108173745-C-G. GRCh37 (hg19) VCF-style: chr11-108044472-C-G.
Other names: c.1239G>C, p.Gln413His (NM_001321307.1); short protein forms Q413H.
Identifiers: ClinVar variation 1757715 (VCV001757715.2), dbSNP rs750926256, ClinGen allele CA6264038.